The following is an entry in ClinVar:

ClinVar aggregate classification (germline): Uncertain significance. Review status: criteria provided, multiple submitters, no conflicts (2 of 4 stars). 5 submissions from 3 submitters: Uncertain significance (5). Last evaluated 2023-08-15.

Conditions:
RYR1-related disorder. Also called: RYR1-related condition; RYR1-related disorders. Identifiers: MedGen CN239331.
Congenital multicore myopathy with external ophthalmoplegia (CMYO1B). Also called: MULTICORE MYOPATHY; Minicore myopathy with external ophthalmoplegia; Congenital myopathy 1B, autosomal recessive; Minicore myopathy; MULTIMINICORE DISEASE WITH EXTERNAL OPHTHALMOPLEGIA. Identifiers: Orphanet 598, Orphanet 98905, MedGen C1850674, MONDO:0009712, OMIM 255320, HP:0003789.
Central core myopathy (CMYO1A). Also called: Central core disease; Myopathy, central fibrillar; CONGENITAL MYOPATHY 1A, AUTOSOMAL DOMINANT, WITH SUSCEPTIBILITY TO MALIGNANT HYPERTHERMIA. Identifiers: Orphanet 597, MedGen C5830701, MONDO:0007294, OMIM 117000.
Malignant hyperthermia, susceptibility to, 1 (MHS1). Also called: Anesthesia related hyperthermia; Malignant hyperpyrexia; Fulminating hyperpyrexia; Pharmacogenic myopathy; RYR1-Related Malignant Hyperthermia Susceptibility; Malignant hyperthermia suceptibility 1. Identifiers: Orphanet 423, MedGen C2930980, MONDO:0007783, OMIM 145600.

Allele frequency attached by ClinVar (database versions not stated): gnomAD exomes below 0.00001; gnomAD 0.00001.
gnomAD v4.1: 2 of 1,564,660 alleles (0.00013%); highest among the groups gnomAD compares: Non-Finnish European, 0.00017%; no homozygotes.

Submissions (5):

All of Us Research Program, National Institutes of Health
Classification: Uncertain significance for Malignant hyperthermia, susceptibility to, 1. Last evaluated: 2023-08-15. Review status: criteria provided, single submitter. Criteria: ACMG Guidelines, 2015. Collection method: clinical testing. Allele origin: germline. Inheritance: Autosomal dominant inheritance. Observed: 1 variant allele, 1 heterozygote.
Comment: This study involves interpretation of variants in research participants for the purpose of population health screening. Participant phenotype was not available at the time of variant classification. Additional details can be found in publication PMID: 35346344, PMCID: PMC8962531

Labcorp Genetics (formerly Invitae), Labcorp
Classification: Uncertain significance for RYR1-related disorder. Last evaluated: 2020-08-20. Review status: criteria provided, single submitter. Criteria: Invitae Variant Classification Sherloc (09022015). Collection method: clinical testing. Allele origin: germline.
Comment: This variant has not been reported in the literature in individuals with RYR1-related conditions. ClinVar contains an entry for this variant (Variation ID: 329091). In summary, the available evidence is currently insufficient to determine the role of this variant in disease. Therefore, it has been classified as a Variant of Uncertain Significance. Advanced modeling of protein sequence and biophysical properties (such as structural, functional, and spatial information, amino acid conservation, physicochemical variation, residue mobility, and thermodynamic stability) performed at Invitae indicates that this missense variant is not expected to disrupt RYR1 protein function. This variant is not present in population databases (ExAC no frequency). This sequence change replaces tyrosine with cysteine at codon 3213 of the RYR1 protein (p.Tyr3213Cys). The tyrosine residue is highly conserved and there is a large physicochemical difference between tyrosine and cysteine.

Illumina Laboratory Services, Illumina
Classification: Uncertain significance for Congenital multicore myopathy with external ophthalmoplegia. Last evaluated: 2018-01-12. Review status: criteria provided, single submitter. Criteria: ICSL Variant Classification Criteria 13 December 2019. Collection method: clinical testing. Allele origin: germline.

Illumina Laboratory Services, Illumina
Classification: Uncertain significance for Central core myopathy. Last evaluated: 2018-01-12. Review status: criteria provided, single submitter. Criteria: ICSL Variant Classification Criteria 13 December 2019. Collection method: clinical testing. Allele origin: germline.

Illumina Laboratory Services, Illumina
Classification: Uncertain significance for Malignant hyperthermia, susceptibility to, 1. Last evaluated: 2018-01-12. Review status: criteria provided, single submitter. Criteria: ICSL Variant Classification Criteria 13 December 2019. Collection method: clinical testing. Allele origin: germline.

NM_000540.3(RYR1):c.9638A>G (p.Tyr3213Cys)

Gene: RYR1 (ryanodine receptor 1; plus strand). Cytogenetic location: 19q13.2.
Variant type: single nucleotide variant.
Coding change: c.9638A>G on transcript NM_000540.3 (MANE Select); coding-DNA position 9638, A replaced by G.
Protein change: p.Tyr3213Cys; replaces tyrosine 3213 with cysteine.
Molecular consequence: missense variant.
Genome position (GRCh38, 1-based): chr19:38,516,170, A>G. VCF-style: chr19-38516170-A-G. GRCh37 (hg19) VCF-style: chr19-39006810-A-G.
Other names: c.9638A>G, p.Tyr3213Cys (NM_001042723.2); short protein forms Y3213C.
Identifiers: ClinVar variation 329091 (VCV000329091.18), dbSNP rs886054398, ClinGen allele CA084753.